The following is an entry in ClinVar:

ClinVar aggregate classification (germline): Likely pathogenic (1 of 4 stars; one submission).

Conditions:
SLC10A1-related disorder. Also called: SLC10A1-related condition.

gnomAD v4.1: 41 of 1,613,428 alleles (0.0025%); highest among the groups gnomAD compares: Admixed American, 0.028%; no homozygotes.

Submission:

PreventionGenetics, part of Exact Sciences
Classification: Likely pathogenic for SLC10A1-related condition. Last evaluated: 2025-07-28. Review status: criteria provided, single submitter. Criteria: ACMG Guidelines, 2015. Collection method: clinical testing. Allele origin: germline.
Comment: The SLC10A1 c.357-2A>T variant is predicted to disrupt the AG splice acceptor site and interfere with normal splicing. To our knowledge, this variant has not been reported in the literature. This variant is reported in 0.012% of alleles in individuals of Latino descent in gnomAD. Variants that disrupt the consensus splice acceptor site in SLC10A1 are expected to be pathogenic. This variant is interpreted as likely pathogenic.

NM_003049.4(SLC10A1):c.357-2A>T

Gene: SLC10A1 (solute carrier family 10 member 1; minus strand). Cytogenetic location: 14q24.1.
Variant type: single nucleotide variant.
Coding change: c.357-2A>T on transcript NM_003049.4 (MANE Select); the canonical splice acceptor site of the intron before coding-DNA position 357, A replaced by T.
Molecular consequence: splice acceptor variant.
Genome position (GRCh38, 1-based): chr14:69,786,309, T>A on the plus strand (A>T on the coding strand, the complement: SLC10A1 is on the minus strand). VCF-style: chr14-69786309-T-A. GRCh37 (hg19) VCF-style: chr14-70253026-T-A.
Identifiers: ClinVar variation 4978457 (VCV004978457.1).